The following is an entry in ClinVar:

ClinVar aggregate classification (oncogenicity): Likely oncogenic (1 of 4 stars; one submission).

Conditions:
Ganglioneuroblastoma. Identifiers: Orphanet 251877, MedGen C0206718, MONDO:0005035, HP:0006747.

Submission:

Research Institute for Clinical Oncology, Saitama Cancer Center
Classification: Likely oncogenic for Ganglioneuroblastoma. Last evaluated: 2023-07-01. Review status: criteria provided, single submitter. Criteria: ClinGen/CGC/VICC Guidelines for Oncogenicity, 2022. Collection method: research. Allele origin: somatic. Affected: yes. Observed: 2 variant alleles.
Comment: This variant is a frameshift duplication predicted to introduce a premature termination codon and result in loss of ATRX function. Loss-of-function variants in ATRX are well established as contributors to alternative lengthening of telomeres (ALT) in neuroblastoma. In the absence of variant-specific functional validation, the predicted truncating effect and the established gene–disease association support classification of this variant as likely oncogenic.

NM_000489.6(ATRX):c.2518dup (p.Arg840fs)

Gene: ATRX (ATRX chromatin remodeler; minus strand). Cytogenetic location: Xq21.1.
Variant type: Duplication.
Coding change: c.2518dup on transcript NM_000489.6 (MANE Select); coding-DNA position 2518, one base duplicated (A; older notation c.2518dupA).
Protein change: p.Arg840fs; shifts the reading frame from arginine 840.
Molecular consequence: frameshift variant.
Genome position (GRCh38, 1-based): chrX:77,682,738, T duplicated on the plus strand (A on the coding strand, the reverse complement: ATRX is on the minus strand); the first of 7 consecutive T bases (chrX:77,682,738-77,682,744); duplicating any one gives the same sequence. VCF-style (leftmost placement, unchanged base first): chrX-77682737-C-CT. GRCh37 (hg19) VCF-style: chrX-76938229-C-CT.
Other names: c.2404dup, p.Arg802fs (NM_138270.5); short protein forms R802fs, R840fs.
Identifiers: ClinVar variation 4685457 (VCV004685457.1).